The following is an entry in ClinVar:

NM_177438.3(DICER1):c.4254GGA[4] (p.Glu1420dup)

Gene: DICER1 (dicer 1, ribonuclease III; minus strand). Cytogenetic location: 14q32.13.
Variant type: Microsatellite.
Coding change: c.4254GGA[4] on transcript NM_177438.3 (MANE Select); four copies in a row of the 3-base unit GGA starting at c.4254; the reference has three copies in a row; one copy, 3 bases duplicated.
Protein change: p.Glu1420dup; duplicates glutamic acid 1420.
Molecular consequence: inframe insertion.
Genome position (GRCh38, 1-based): chr14:95,096,658-95,096,660, TCC duplicated on the plus strand (GGA on the coding strand, the reverse complement: DICER1 is on the minus strand); duplicating any 3 consecutive bases within chr14:95,096,658-95,096,668 gives the same sequence; the position shown is the placement nearest the transcript's 3' end. VCF-style (leftmost placement, unchanged base first): chr14-95096657-A-ATCC. GRCh37 (hg19) VCF-style: chr14-95562994-A-ATCC.
Other names: c.4254GGA[4], p.Glu1420dup (NM_001195573.1, NM_001271282.3, NM_001291628.2 and 1 more transcripts).
Identifiers: ClinVar variation 838328 (VCV000838328.11), dbSNP rs544960260, ClinGen allele CA916081734.

ClinVar aggregate classification (germline): Uncertain significance (1 of 4 stars; one submission).

Conditions:
DICER1-related tumor predisposition. Also called: DICER1-related pleuropulmonary blastoma cancer predisposition syndrome; DICER1 syndrome. Identifiers: Orphanet 284343, MedGen C3839822, MONDO:0100216.

Submission:

Labcorp Genetics (formerly Invitae), Labcorp
Classification: Uncertain significance for DICER1-related tumor predisposition. Last evaluated: 2025-01-07. Review status: criteria provided, single submitter. Criteria: Invitae Variant Classification Sherloc (09022015). Collection method: clinical testing. Allele origin: germline.
Comment: This variant, c.4260_4262dup, results in the insertion of 1 amino acid(s) of the DICER1 protein (p.Glu1420dup), but otherwise preserves the integrity of the reading frame. This variant is not present in population databases (gnomAD no frequency). This variant has not been reported in the literature in individuals affected with DICER1-related conditions. ClinVar contains an entry for this variant (Variation ID: 838328). Experimental studies and prediction algorithms are not available or were not evaluated, and the functional significance of this variant is currently unknown. In summary, the available evidence is currently insufficient to determine the role of this variant in disease. Therefore, it has been classified as a Variant of Uncertain Significance.